The following is an entry in ClinVar:

NM_000287.4(PEX6):c.990C>T (p.His330=)

Gene: PEX6 (peroxisomal biogenesis factor 6; minus strand). Cytogenetic location: 6p21.1.
Variant type: single nucleotide variant.
Coding change: c.990C>T on transcript NM_000287.4 (MANE Select); coding-DNA position 990, C replaced by T.
Protein change: p.His330=; no amino-acid change (histidine 330 retained).
Molecular consequence: synonymous variant. On other transcripts: non-coding transcript variant (1).
Genome position (GRCh38, 1-based): chr6:42,974,931, G>A on the plus strand (C>T on the coding strand, the complement: PEX6 is on the minus strand). VCF-style: chr6-42974931-G-A. GRCh37 (hg19) VCF-style: chr6-42942669-G-A.
Other names: c.726C>T, p.His242= (NM_001316313.2).
Identifiers: ClinVar variation 753469 (VCV000753469.12), dbSNP rs947712788, ClinGen allele CA138231898.

ClinVar aggregate classification (germline): Likely benign. Review status: criteria provided, multiple submitters, no conflicts (2 of 4 stars). 3 submissions from 3 submitters: Likely benign (2). 1 of the submissions does not count toward it. Last evaluated 2025-10-01.

Conditions:
PEX6-related disorder. Also called: PEX6-related disorders; PEX6-related condition.
Peroxisome biogenesis disorder. Identifiers: Orphanet 79189, MedGen C1832200, MONDO:0019234. Disease mechanism: loss of function.

Allele frequency attached by ClinVar (database versions not stated): gnomAD exomes below 0.00001; gnomAD 0.00001; TOPMed 0.00006.

Submissions (3):

Labcorp Genetics (formerly Invitae), Labcorp
Classification: Likely benign for Peroxisome biogenesis disorder. Last evaluated: 2025-10-01. Review status: criteria provided, single submitter. Criteria: Invitae Variant Classification Sherloc (09022015). Collection method: clinical testing. Allele origin: germline.

Blueprint Genetics
Classification: Likely benign. Last evaluated: 2024-06-06. Review status: criteria provided, single submitter. Criteria: ACMG Guidelines, 2015. Collection method: clinical testing. Allele origin: germline.

PreventionGenetics, part of Exact Sciences
Classification: Likely benign for PEX6-related condition. Last evaluated: 2021-04-01. Review status: no assertion criteria provided. Collection method: clinical testing. Allele origin: germline. Not counted in ClinVar's aggregate classification.
Comment: This variant is classified as likely benign based on ACMG/AMP sequence variant interpretation guidelines (Richards et al. 2015 PMID: 25741868, with internal and published modifications).